The following is an entry in ClinVar:

NM_001692.4(ATP6V1B1):c.370C>T (p.Arg124Trp)

Gene: ATP6V1B1 (ATPase H+ transporting V1 subunit B1; plus strand). Cytogenetic location: 2p13.3.
Variant type: single nucleotide variant.
Coding change: c.370C>T on transcript NM_001692.4 (MANE Select); coding-DNA position 370, C replaced by T.
Protein change: p.Arg124Trp; replaces arginine 124 with tryptophan.
Molecular consequence: missense variant.
Genome position (GRCh38, 1-based): chr2:70,959,020, C>T. VCF-style: chr2-70959020-C-T. GRCh37 (hg19) VCF-style: chr2-71186150-C-T.
Other names: short protein forms R124W.
Identifiers: ClinVar variation 179919 (VCV000179919.16), dbSNP rs727505222, ClinGen allele CA185431.

ClinVar aggregate classification (germline): Conflicting classifications of pathogenicity. Review status: criteria provided, conflicting classifications (1 of 4 stars). 7 submissions from 7 submitters: Pathogenic (1); Likely pathogenic (4); Uncertain significance (2). Last evaluated 2026-08-06.

Conditions:
Renal tubular acidosis with progressive nerve deafness. Also called: Distal Renal Tubular Acidosis with Progressive Sensorineural Deafness; RENAL TUBULAR ACIDOSIS, AUTOSOMAL RECESSIVE, WITH PROGRESSIVE NERVE DEAFNESS; RTA WITH PROGRESSIVE NERVE DEAFNESS; renal tubular acidosis, distal, 2, with progressive sensorineural hearing loss. Identifiers: MedGen C0403554, MONDO:0009968, OMIM 267300.
Hearing impairment. Also called: Impaired Hearing. Identifiers: MedGen C1384666, MONDO:0005365, HP:0000365.

gnomAD v4.1: 86 of 1,613,922 alleles (0.0053%); highest among the groups gnomAD compares: East Asian, 0.0089%; no homozygotes.

Submissions (7):

OLLIN Analises Genomicas, OLLIN
Classification: Likely pathogenic for Renal tubular acidosis with progressive nerve deafness. Last evaluated: 2026-08-06. Review status: criteria provided, single submitter. Criteria: ACMG Guidelines 2015 PMID 25741868. Collection method: clinical testing. Allele origin: germline. Inheritance: Autosomal recessive inheritance.
Comment: This missense variant, located in exon 5 (of 14), has been reported in ClinVar (accession VCV000179919.13) and in gnomAD with an allele frequency of 0.0053%. However, to our knowledge, it has not been reported in the scientific literature. In silico analysis predicts that this variant has a deleterious effect. According to the currently available evidence, this variant has been classified as likely pathogenic (PM2_P, PM3_S, PP1, PP3_M).

Natera, Inc.
Classification: Likely pathogenic for Renal tubular acidosis with progressive nerve deafness. Last evaluated: 2025-10-13. Review status: criteria provided, single submitter. Criteria: Natera Variant Classification Schema (03/2026). Collection method: clinical testing. Allele origin: germline.
Comment: The c.370C>T variant in ATP6V1B1 is a missense variant predicted to cause substitution of arginine to tryptophan at amino acid 124. This variant is rare in the general population with a frequency below the threshold expected for the associated phenotype(s). This variant has been observed in one or more individuals affected with the associated recessive disease, as either homozygous or compound heterozygous with a second variant (PMID: 31328266, 9916796, 34159584). Functional studies show that this variant may disrupt protein function (PMID: 34157794, 18368028, 16769747). Computational prediction algorithms indicate this variant is likely to affect gene or protein function. Given the available evidence, this variant is classified as Likely Pathogenic.

Fulgent Genetics
Classification: Likely pathogenic for Renal tubular acidosis with progressive nerve deafness. Last evaluated: 2024-04-15. Review status: criteria provided, single submitter. Criteria: ACMG Guidelines, 2015. Collection method: clinical testing. Allele origin: germline.

Labcorp Genetics (formerly Invitae), Labcorp
Classification: Pathogenic. Last evaluated: 2023-12-31. Review status: criteria provided, single submitter. Criteria: Invitae Variant Classification Sherloc (09022015). Collection method: clinical testing. Allele origin: germline.
Comment: This sequence change replaces arginine, which is basic and polar, with tryptophan, which is neutral and slightly polar, at codon 124 of the ATP6V1B1 protein (p.Arg124Trp). This variant is present in population databases (rs727505222, gnomAD 0.03%). This missense change has been observed in individual(s) with renal tubular acidosis (PMID: 9916796, 34159584). In at least one individual the data is consistent with being in trans (on the opposite chromosome) from a pathogenic variant. It has also been observed to segregate with disease in related individuals. ClinVar contains an entry for this variant (Variation ID: 179919). An algorithm developed to predict the effect of missense changes on protein structure and function (PolyPhen-2) suggests that this variant is likely to be disruptive. Experimental studies have shown that this missense change affects ATP6V1B1 function (PMID: 16769747, 18368028). For these reasons, this variant has been classified as Pathogenic.

Department of Otolaryngology – Head & Neck Surgery, Cochlear Implant Center
Classification: Uncertain significance for Hearing impairment. Last evaluated: 2021-04-12. Review status: criteria provided, single submitter. Criteria: ClinGen HL ACMG Specifications v1. Collection method: clinical testing. Allele origin: germline. Affected: yes.
Comment: PM2_Moderate, PP3_Supporting

Laboratory for Molecular Medicine, Mass General Brigham Personalized Medicine
Classification: Uncertain significance. Last evaluated: 2014-08-11. Review status: criteria provided, single submitter. Criteria: LMM Criteria. Collection method: clinical testing. Allele origin: germline. Observed: 1 variant allele.
Comment: Variant classified as Uncertain Significance - Favor Pathogenic. The Arg124Trp v ariant in ATP6V1B1 has been reported in two individuals with distal renal tubula r acidosis (Karet 1999), and was absent from large population studies. These in dividuals were both homozygous for this variant and the variant segregated in an affected sibling of one of these individuals. Function in vitro studies have shown that the Arg124Trp variant impacts protein function (Fuster 2008, Yang 2006); however, these in vitro assays may not accurately rep resent biological function. Computational prediction tools and conservation anal yses suggest that the Arg124Trp variant may impact the protein, though this info rmation is not predictive enough to determine pathogenicity. In summary, while t here is some suspicion for a pathogenic role, the clinical significance of this variant is uncertain.

Kariminejad - Najmabadi Pathology & Genetics Center
Classification: Likely pathogenic for Renal tubular acidosis with progressive nerve deafness. Review status: criteria provided, single submitter. Criteria: ACMG Guidelines, 2015. Collection method: clinical testing. Allele origin: germline. Affected: no.

Literature cited by the submitters: PubMed 31328266 (cited by Natera, Inc.); PubMed 9916796 (cited by 3 submitters); PubMed 34159584 (cited by Natera, Inc. and Labcorp Genetics (formerly Invitae), Labcorp); PubMed 34157794 (cited by Natera, Inc.); PubMed 18368028 (cited by 3 submitters); PubMed 16769747 (cited by 3 submitters).